The following is an entry in ClinVar:

NM_001184880.2(PCDH19):c.1339A>G (p.Asn447Asp)

Gene: PCDH19 (protocadherin 19; minus strand). Cytogenetic location: Xq22.1.
Variant type: single nucleotide variant.
Coding change: c.1339A>G on transcript NM_001184880.2 (MANE Select); coding-DNA position 1339, A replaced by G.
Protein change: p.Asn447Asp; replaces asparagine 447 with aspartic acid.
Molecular consequence: missense variant.
Genome position (GRCh38, 1-based): chrX:100,407,259, T>C on the plus strand (A>G on the coding strand, the complement: PCDH19 is on the minus strand). VCF-style: chrX-100407259-T-C. GRCh37 (hg19) VCF-style: chrX-99662257-T-C.
Other names: c.1339A>G, p.Asn447Asp (NM_001105243.2, NM_020766.3); short protein forms N447D.
Identifiers: ClinVar variation 1073814 (VCV001073814.9), dbSNP rs2147539047, ClinGen allele CA414002949.

ClinVar aggregate classification (germline): Pathogenic (1 of 4 stars; one submission).

Conditions:
Developmental and epileptic encephalopathy, 9 (DEE9). Also called: Early infantile epileptic encephalopathy 9; EPILEPSY, FEMALE-RESTRICTED, WITH MENTAL RETARDATION; JUBERG-HELLMAN SYNDROME; PCDH19-Related X-Linked Female-Limited Epilepsy with Mental Retardation. Identifiers: Orphanet 101039, Orphanet 2076, MedGen C1848137, MONDO:0010246, OMIM 300088. Disease mechanism: loss of function.

Submission:

Labcorp Genetics (formerly Invitae), Labcorp
Classification: Pathogenic for Developmental and epileptic encephalopathy, 9. Last evaluated: 2020-08-26. Review status: criteria provided, single submitter. Criteria: Invitae Variant Classification Sherloc (09022015). Collection method: clinical testing. Allele origin: germline.
Comment: This sequence change replaces asparagine with aspartic acid at codon 447 of the PCDH19 protein (p.Asn447Asp). The asparagine residue is highly conserved and there is a small physicochemical difference between asparagine and aspartic acid. This variant is not present in population databases (ExAC no frequency). This variant has been observed in individual(s) with clinical features of early infantile epileptic encephalopathy (Invitae). In at least one individual the variant was observed to be de novo. Algorithms developed to predict the effect of missense changes on protein structure and function are either unavailable or do not agree on the potential impact of this missense change (SIFT: "Deleterious"; PolyPhen-2: "Probably Damaging"; Align-GVGD: "Class C15"). Algorithms developed to predict the effect of sequence changes on RNA splicing suggest that this variant may create or strengthen a splice site, but this prediction has not been confirmed by published transcriptional studies. This variant disrupts the p.Asn447 amino acid residue in PCDH19. Other variant(s) that disrupt this residue have been observed in individuals with PCDH19-related conditions (PMID: 27864847), which suggests that this may be a clinically significant amino acid residue. For these reasons, this variant has been classified as Pathogenic.

Literature cited by the submitters: PubMed 27864847.